The following is an entry in ClinVar:

ClinVar aggregate classification (germline): Uncertain significance (1 of 4 stars; one submission).

gnomAD v4.1: 2 of 1,613,846 alleles (0.00012%); highest among the groups gnomAD compares: Non-Finnish European, 0.00017%; no homozygotes.

Submission:

Labcorp Genetics (formerly Invitae), Labcorp
Classification: Uncertain significance. Last evaluated: 2025-10-02. Review status: criteria provided, single submitter. Criteria: Invitae Variant Classification Sherloc (09022015). Collection method: clinical testing. Allele origin: germline.
Comment: This sequence change replaces leucine, which is neutral and non-polar, with valine, which is neutral and non-polar, at codon 158 of the GSN protein (p.Leu158Val). This variant is not present in population databases (gnomAD no frequency). This variant has not been reported in the literature in individuals affected with GSN-related conditions. ClinVar contains an entry for this variant (Variation ID: 3632587). An algorithm developed to predict the effect of missense changes on protein structure and function (PolyPhen-2) suggests that this variant is likely to be tolerated. In summary, the available evidence is currently insufficient to determine the role of this variant in disease. Therefore, it has been classified as a Variant of Uncertain Significance.

NM_198252.3(GSN):c.319C>G (p.Leu107Val)

Gene: GSN (gelsolin; plus strand). Cytogenetic location: 9q33.2.
Variant type: single nucleotide variant.
Coding change: c.319C>G on transcript NM_198252.3 (MANE Select); coding-DNA position 319, C replaced by G.
Protein change: p.Leu107Val; replaces leucine 107 with valine.
Molecular consequence: missense variant. On other transcripts: 5 prime UTR variant (1).
Genome position (GRCh38, 1-based): chr9:121,303,033, C>G. VCF-style: chr9-121303033-C-G. GRCh37 (hg19) VCF-style: chr9-124065311-C-G.
Other names: c.472C>G, p.Leu158Val (NM_000177.5); c.319C>G, p.Leu107Val (NM_001127662.2, NM_001127664.2, NM_001127665.2 and 10 more transcripts); c.427C>G, p.Leu143Val (NM_001127663.2); c.352C>G, p.Leu118Val (NM_001127666.2, NM_001127667.2, NM_001353067.2 and 13 more transcripts); c.370C>G, p.Leu124Val (NM_001258029.2); c.343C>G, p.Leu115Val (NM_001258030.2); c.391C>G, p.Leu131Val (NM_001353076.2); c.-336C>G (NM_001353078.2); short protein forms L118V, L124V, L107V, L115V, L131V, L158V, L143V.
Identifiers: ClinVar variation 3632587 (VCV003632587.2).
Genomic context (GRCh38, chr9:121,303,033, plus strand): 5'-TACCTGAACGGCCGGGCCGTGCAGCACCGTGAGGTCCAGGGCTTCGAGTCGGCCACCTTC[C>G]TAGGCTACTTCAAGTCTGGCCTGAAGTACAAGGTGGGTTGGGCCCCACCTTGCTTGAGCG-3'
Protein context (NP_937895.1, residues 97-117): EVQGFESATF[Leu107Val]GYFKSGLKYK